The following is an entry in ClinVar:

ClinVar aggregate classification (germline): Uncertain significance. Review status: criteria provided, multiple submitters, no conflicts (2 of 4 stars). 2 submissions from 2 submitters: Uncertain significance (2). Last evaluated 2025-11-03.

Conditions:
MKS1-related disorder. Also called: MKS1-related condition; MKS1-related disorders. Identifiers: MedGen CN239382.

gnomAD v4.1: 11 of 1,614,066 alleles (0.00068%); highest among the groups gnomAD compares: African/African-American, 0.0013%; no homozygotes.

Submissions (2):

PreventionGenetics, part of Exact Sciences
Classification: Uncertain significance for MKS1-related condition. Last evaluated: 2025-11-03. Review status: criteria provided, single submitter. Criteria: ACMG Guidelines, 2015. Collection method: clinical testing. Allele origin: germline.
Comment: The MKS1 c.763G>A variant is predicted to result in the amino acid substitution p.Gly255Arg. To our knowledge, this variant has not been reported in the literature. This variant is reported in 0.0033% of alleles in individuals of South Asian descent in gnomAD. At this time, the clinical significance of this variant is uncertain due to the absence of conclusive functional and genetic evidence.

Women's Health and Genetics/Laboratory Corporation of America, LabCorp
Classification: Uncertain significance. Last evaluated: 2022-02-23. Review status: criteria provided, single submitter. Criteria: LabCorp Variant Classification Summary - May 2015. Collection method: clinical testing. Allele origin: germline.
Comment: Variant summary: MKS1 c.763G>A (p.Gly255Arg) results in a non-conservative amino acid change in the encoded protein sequence. Four of five in-silico tools predict a damaging effect of the variant on protein function. The variant allele was found at a frequency of 4e-06 in 249580 control chromosomes. The available data on variant occurrences in the general population are insufficient to allow any conclusion about variant significance. To our knowledge, no occurrence of c.763G>A in individuals affected with Meckel Syndrome Type 1 and no experimental evidence demonstrating its impact on protein function have been reported. No clinical diagnostic laboratories have submitted clinical-significance assessments for this variant to ClinVar after 2014. Based on the evidence outlined above, the variant was classified as uncertain significance.

NM_017777.4(MKS1):c.763G>A (p.Gly255Arg)

Gene: MKS1 (MKS transition zone complex subunit 1; minus strand). Cytogenetic location: 17q22.
Variant type: single nucleotide variant.
Coding change: c.763G>A on transcript NM_017777.4 (MANE Select); coding-DNA position 763, G replaced by A.
Protein change: p.Gly255Arg; replaces glycine 255 with arginine.
Molecular consequence: missense variant.
Genome position (GRCh38, 1-based): chr17:58,213,077, C>T on the plus strand (G>A on the coding strand, the complement: MKS1 is on the minus strand). VCF-style: chr17-58213077-C-T. GRCh37 (hg19) VCF-style: chr17-56290438-C-T.
Other names: c.154G>A, p.Gly52Arg (NM_001321268.2); c.763G>A, p.Gly255Arg (NM_001321269.2, NM_001330397.2); short protein forms G255R, G52R.
Identifiers: ClinVar variation 1343684 (VCV001343684.2), dbSNP rs201237547, ClinGen allele CA8669415.